The following is an entry in ClinVar:

ClinVar aggregate classification (germline): Uncertain significance (1 of 4 stars; one submission).

Allele frequency attached by ClinVar (database versions not stated): gnomAD exomes 0.00003 and 0.00006; TOPMed 0.00003; ExAC 0.00006.
gnomAD v4.1: 17 of 1,613,864 alleles (0.0011%); highest among the groups gnomAD compares: Admixed American, 0.027%; no homozygotes.

Submission:

Labcorp Genetics (formerly Invitae), Labcorp
Classification: Uncertain significance. Last evaluated: 2026-01-18. Review status: criteria provided, single submitter. Criteria: Invitae Variant Classification Sherloc (09022015). Collection method: clinical testing. Allele origin: germline.
Comment: This sequence change replaces alanine, which is neutral and non-polar, with glutamic acid, which is acidic and polar, at codon 1963 of the VCAN protein (p.Ala1963Glu). This variant is present in population databases (rs747127047, gnomAD 0.05%), and has an allele count higher than expected for a pathogenic variant. This variant has not been reported in the literature in individuals affected with VCAN-related conditions. ClinVar contains an entry for this variant (Variation ID: 999335). An algorithm developed to predict the effect of missense changes on protein structure and function (PolyPhen-2) suggests that this variant is likely to be tolerated. In summary, the available evidence is currently insufficient to determine the role of this variant in disease. Therefore, it has been classified as a Variant of Uncertain Significance.

NM_004385.5(VCAN):c.5888C>A (p.Ala1963Glu)

Genes: VCAN-AS1 (VCAN antisense RNA 1; minus strand), VCAN (versican; plus strand). Cytogenetic location: 5q14.3.
Variant type: single nucleotide variant.
Coding change: c.5888C>A on transcript NM_004385.5 (MANE Select); coding-DNA position 5888, C replaced by A.
Protein change: p.Ala1963Glu; replaces alanine 1963 with glutamic acid.
Molecular consequence: missense variant. On other transcripts: intron variant (2).
Genome position (GRCh38, 1-based): chr5:83,538,891, C>A. VCF-style: chr5-83538891-C-A. GRCh37 (hg19) VCF-style: chr5-82834710-C-A.
Other names: c.2927C>A, p.Ala976Glu (NM_001164097.2); c.4004-6646C>A (NM_001164098.2); c.1043-6646C>A (NM_001126336.3); short protein forms A1963E, A976E.
Identifiers: ClinVar variation 999335 (VCV000999335.6), dbSNP rs747127047, ClinGen allele CA3333392.